The following is an entry in ClinVar:

NM_001330288.2(SMARCC2):c.397C>T (p.Gln133Ter)

Gene: SMARCC2 (SWI/SNF related BAF chromatin remodeling complex subunit C2; minus strand). Cytogenetic location: 12q13.2.
Variant type: single nucleotide variant.
Coding change: c.397C>T on transcript NM_001330288.2 (MANE Select); coding-DNA position 397, C replaced by T.
Protein change: p.Gln133Ter; replaces glutamine 133 with a stop codon.
Molecular consequence: nonsense.
Genome position (GRCh38, 1-based): chr12:56,185,032, G>A on the plus strand (C>T on the coding strand, the complement: SMARCC2 is on the minus strand). VCF-style: chr12-56185032-G-A. GRCh37 (hg19) VCF-style: chr12-56578816-G-A.
Other names: c.397C>T, p.Gln133Ter (NM_001130420.3, NM_003075.5, NM_139067.4); short protein forms Q133*.
Identifiers: ClinVar variation 3775449 (VCV003775449.1).

ClinVar aggregate classification (germline): Likely pathogenic (1 of 4 stars; one submission).

Conditions:
Coffin-Siris syndrome 8. Identifiers: MedGen C5193054, MONDO:0032702, OMIM 618362.

Submission:

3billion
Classification: Likely pathogenic for Coffin-Siris syndrome 8. Last evaluated: 2023-09-04. Review status: criteria provided, single submitter. Criteria: ACMG Guidelines, 2015. Collection method: clinical testing. Allele origin: germline. Affected: yes.
Comment: The variant is not observed in the gnomAD v2.1.1 dataset. Predicted Consequence/Location: Stop-gained (nonsense): predicted to result in a loss or disruption of normal protein function through nonsense-mediated decay (NMD) or protein truncation. Multiple pathogenic variants are reported downstream of the variant. Therefore, this variant is classified as Likely pathogenic according to the recommendation of ACMG/AMP guideline.